The following is an entry in ClinVar:

ClinVar aggregate classification (germline): Uncertain significance (1 of 4 stars; one submission).

Conditions:
Ataxia-telangiectasia syndrome (AT). Also called: ATAXIA-TELANGIECTASIA, COMPLEMENTATION GROUP A; ATAXIA-TELANGIECTASIA, FRESNO VARIANT; Ataxia-telangiectasia; LOUIS-BAR SYNDROME; Cerebello-oculocutaneous telangiectasia; Immunodeficiency with ataxia telangiectasia. Identifiers: Orphanet 100, MedGen C0004135, MONDO:0008840, OMIM 208900.

Allele frequency attached by ClinVar (database versions not stated): gnomAD exomes below 0.00001.
gnomAD v4.1: 2 of 1,613,956 alleles (0.00012%); highest among the groups gnomAD compares: Non-Finnish European, 0.00017%; no homozygotes.

Submission:

Labcorp Genetics (formerly Invitae), Labcorp
Classification: Uncertain significance for Ataxia-telangiectasia syndrome. Last evaluated: 2022-03-05. Review status: criteria provided, single submitter. Criteria: Invitae Variant Classification Sherloc (09022015). Collection method: clinical testing. Allele origin: germline.
Comment: Advanced modeling of protein sequence and biophysical properties (such as structural, functional, and spatial information, amino acid conservation, physicochemical variation, residue mobility, and thermodynamic stability) performed at Invitae indicates that this missense variant is not expected to disrupt ATM protein function. In summary, the available evidence is currently insufficient to determine the role of this variant in disease. Therefore, it has been classified as a Variant of Uncertain Significance. This variant has not been reported in the literature in individuals affected with ATM-related conditions. This variant is not present in population databases (gnomAD no frequency). This sequence change replaces lysine, which is basic and polar, with glutamic acid, which is acidic and polar, at codon 556 of the ATM protein (p.Lys556Glu).

NM_000051.4(ATM):c.1666A>G (p.Lys556Glu)

Gene: ATM (ATM serine/threonine kinase; plus strand). Cytogenetic location: 11q22.3.
Variant type: single nucleotide variant.
Coding change: c.1666A>G on transcript NM_000051.4 (MANE Select); coding-DNA position 1666, A replaced by G.
Protein change: p.Lys556Glu; replaces lysine 556 with glutamic acid.
Molecular consequence: missense variant.
Genome position (GRCh38, 1-based): chr11:108,251,895, A>G. VCF-style: chr11-108251895-A-G. GRCh37 (hg19) VCF-style: chr11-108122622-A-G.
Other names: c.1666A>G, p.Lys556Glu (NM_001351834.2); short protein forms K556E.
Identifiers: ClinVar variation 2176305 (VCV002176305.4), dbSNP rs1243693768, ClinGen allele CA382535096.